The following is an entry in ClinVar:

ClinVar aggregate classification (germline): Uncertain significance (1 of 4 stars; one submission).

Submission:

Labcorp Genetics (formerly Invitae), Labcorp
Classification: Uncertain significance. Last evaluated: 2021-12-18. Review status: criteria provided, single submitter. Criteria: Invitae Variant Classification Sherloc (09022015). Collection method: clinical testing. Allele origin: germline.
Comment: This sequence change creates a premature translational stop signal (p.Ala804Profs*47) in the SH3PXD2B gene. While this is not anticipated to result in nonsense mediated decay, it is expected to disrupt the last 108 amino acid(s) of the SH3PXD2B protein. This variant is present in population databases (no rsID available, gnomAD 0.006%). This variant has not been reported in the literature in individuals affected with SH3PXD2B-related conditions. In summary, the available evidence is currently insufficient to determine the role of this variant in disease. Therefore, it has been classified as a Variant of Uncertain Significance.

NM_001017995.3(SH3PXD2B):c.2409del (p.Ala804fs)

Gene: SH3PXD2B (SH3 and PX domains 2B; minus strand). Cytogenetic location: 5q35.1.
Variant type: Deletion.
Coding change: c.2409del on transcript NM_001017995.3 (MANE Select); coding-DNA position 2409, one base deleted (A; older notation c.2409delA).
Protein change: p.Ala804fs; shifts the reading frame from alanine 804.
Molecular consequence: frameshift variant. On other transcripts: intron variant (1).
Genome position (GRCh38, 1-based): chr5:172,338,696, T deleted on the plus strand (A on the coding strand, the reverse complement: SH3PXD2B is on the minus strand); the first of 4 consecutive T bases (chr5:172,338,696-172,338,699); deleting any one gives the same sequence. VCF-style (leftmost placement, unchanged base first): chr5-172338695-CT-C. GRCh37 (hg19) VCF-style: chr5-171765699-CT-C.
Other names: c.1188+7440del (NM_001308175.2); short protein forms A804fs.
Identifiers: ClinVar variation 2186726 (VCV002186726.4), dbSNP rs1286006355, ClinGen allele CA564903748.